The following is an entry in ClinVar:

ClinVar aggregate classification (germline): Conflicting classifications of pathogenicity. Review status: criteria provided, conflicting classifications (1 of 4 stars). 2 submissions from 2 submitters: Uncertain significance (1); Likely benign (1). Last evaluated 2024-11-19.

Conditions:
Hereditary breast ovarian cancer syndrome. Also called: Hereditary breast and ovarian cancer syndrome; Breast and ovarian cancer; Hereditary breast and ovarian cancer; Hereditary breast and/or ovarian cancer syndrome; Hereditary breast and ovarian cancer syndrome (HBOC); BRCA1- and BRCA2-Associated Hereditary Breast and Ovarian Cancer. Identifiers: Orphanet 145, MedGen C0677776, MeSH D061325, MONDO:0003582. Disease mechanism: loss of function.

gnomAD v4.1: 1 of 1,612,674 alleles (0.000062%); highest among the groups gnomAD compares: Non-Finnish European, 0.000085%; no homozygotes.

Submissions (2):

Quest Diagnostics Nichols Institute San Juan Capistrano
Classification: Uncertain significance. Last evaluated: 2024-11-19. Review status: criteria provided, single submitter. Criteria: Quest Diagnostics criteria. Collection method: clinical testing. Allele origin: unknown.
Comment: The BRCA2 c.3654C>G (p.Gly1218=) synonymous variant has not been reported in individuals with BRCA2-related conditions in the published literature. It also has not been reported in large, multi-ethnic general populations (Genome Aggregation Database). Analysis of this variant using software algorithms for the prediction of the effect of nucleotide changes on splicing yielded predictions that this variant does not affect BRCA2 mRNA splicing. Based on the available information, we are unable to determine the clinical significance of this variant.

Labcorp Genetics (formerly Invitae), Labcorp
Classification: Likely benign for Hereditary breast ovarian cancer syndrome. Last evaluated: 2024-06-13. Review status: criteria provided, single submitter. Criteria: Invitae Variant Classification Sherloc (09022015). Collection method: clinical testing. Allele origin: germline.

NM_000059.4(BRCA2):c.3654C>G (p.Gly1218=)

Gene: BRCA2 (BRCA2 DNA repair associated; plus strand). Cytogenetic location: 13q13.1.
Variant type: single nucleotide variant.
Coding change: c.3654C>G on transcript NM_000059.4 (MANE Select); coding-DNA position 3654, C replaced by G.
Protein change: p.Gly1218=; no amino-acid change (glycine 1218 retained).
Molecular consequence: synonymous variant. On other transcripts: non-coding transcript variant (1), intron variant (2).
Genome position (GRCh38, 1-based): chr13:32,338,009, C>G. VCF-style: chr13-32338009-C-G. GRCh37 (hg19) VCF-style: chr13-32912146-C-G.
Other names: c.3654C>G, p.Gly1218= (NM_001406719.1, NM_001406720.1, NM_001432077.1); c.1909+4622C>G (NM_001406721.1); c.425-6549C>G (NM_001406722.1).
Identifiers: ClinVar variation 3572351 (VCV003572351.3).